The following is an entry in ClinVar:

NM_014000.3(VCL):c.1225C>G (p.Arg409Gly)

Gene: VCL (vinculin; plus strand). Cytogenetic location: 10q22.2.
Variant type: single nucleotide variant.
Coding change: c.1225C>G on transcript NM_014000.3 (MANE Select); coding-DNA position 1225, C replaced by G.
Protein change: p.Arg409Gly; replaces arginine 409 with glycine.
Molecular consequence: missense variant.
Genome position (GRCh38, 1-based): chr10:74,090,071, C>G. VCF-style: chr10-74090071-C-G. GRCh37 (hg19) VCF-style: chr10-75849829-C-G.
Other names: c.1225C>G, p.Arg409Gly (NM_003373.4); short protein forms R409G.
Identifiers: ClinVar variation 1382728 (VCV001382728.5), dbSNP rs202005455, ClinGen allele CA5562956.
Genomic context (GRCh38, chr10:74,090,071, plus strand): 5'-TTCTATGTGTAGAACTGGCTTGCAGATCCAAATGGTGGACCGGAAGGAGAAGAGCAGATT[C>G]GAGGTGCTTTGGCTGAAGCTCGGAAAATAGCAGAATTATGTGATGATCCTAAAGAAAGAG-3'
Protein context (NP_054706.1, residues 399-419): NGGPEGEEQI[Arg409Gly]GALAEARKIA

ClinVar aggregate classification (germline): Uncertain significance. Review status: criteria provided, multiple submitters, no conflicts (2 of 4 stars). 3 submissions from 3 submitters: Uncertain significance (3). Last evaluated 2026-09-23.

Conditions:
Dilated cardiomyopathy 1W (CMD1W). Identifiers: Orphanet 154, MedGen C1969639, MONDO:0012667, OMIM 611407.
Hypertrophic cardiomyopathy 15. Identifiers: MedGen C2750459, MONDO:0013200, OMIM 613255.
VCL-related disorder. Also called: VCL-related condition.

gnomAD v4.1: 31 of 1,613,966 alleles (0.0019%); highest among the groups gnomAD compares: Non-Finnish European, 0.0025%; no homozygotes.

Submissions (3):

PreventionGenetics, part of Exact Sciences
Classification: Uncertain significance for VCL-related condition. Last evaluated: 2026-09-23. Review status: criteria provided, single submitter. Criteria: ACMG Guidelines, 2015. Collection method: clinical testing. Allele origin: germline.
Comment: The VCL c.1225C>G variant is predicted to result in the amino acid substitution p.Arg409Gly. To our knowledge, this variant has not been reported in the literature. This variant is reported in 0.0031% of alleles in individuals of European (Non-Finnish) descent in gnomAD. At this time, the clinical significance of this variant is uncertain due to the absence of conclusive functional and genetic evidence.

Labcorp Genetics (formerly Invitae), Labcorp
Classification: Uncertain significance for Dilated cardiomyopathy 1W. Last evaluated: 2021-08-31. Review status: criteria provided, single submitter. Criteria: Invitae Variant Classification Sherloc (09022015). Collection method: clinical testing. Allele origin: germline.

Fulgent Genetics
Classification: Uncertain significance for Dilated cardiomyopathy 1W; Hypertrophic cardiomyopathy 15. Last evaluated: 2021-07-15. Review status: criteria provided, single submitter. Criteria: ACMG Guidelines, 2015. Collection method: clinical testing. Allele origin: unknown.